The following is an entry in ClinVar:

ClinVar aggregate classification (germline): Likely benign (1 of 4 stars; one submission).

Allele frequency attached by ClinVar (database versions not stated): 1000 Genomes Project 30x 0.00047; 1000 Genomes Project 0.00060; ESP Exome Variant Server 0.00223; gnomAD 0.00223; TOPMed 0.00231; ExAC 0.00238; gnomAD exomes 0.00292.
gnomAD v4.1: 4,630 of 1,614,118 alleles (0.29%); highest among the groups gnomAD compares: Middle Eastern, 1.2%; 14 homozygotes.

Submission:

CeGaT Center for Human Genetics Tuebingen
Classification: Likely benign. Last evaluated: 2023-05-01. Review status: criteria provided, single submitter. Criteria: CeGaT Center For Human Genetics Tuebingen Variant Classification Criteria Version 2. Collection method: clinical testing. Allele origin: germline. Affected: yes. Observed: 1 variant allele.
Comment: DHX8: BP4

NM_004941.3(DHX8):c.2800-4C>A

Gene: DHX8 (DEAH-box helicase 8; plus strand). Cytogenetic location: 17q21.31.
Variant type: single nucleotide variant.
Coding change: c.2800-4C>A on transcript NM_004941.3 (MANE Select); 4 bases into the intron before coding-DNA position 2800, C replaced by A.
Molecular consequence: intron variant.
Genome position (GRCh38, 1-based): chr17:43,520,126, C>A. VCF-style: chr17-43520126-C-A. GRCh37 (hg19) VCF-style: chr17-41597494-C-A.
Other names: c.2800-4C>A (NM_001322219.2, NM_001322220.3, NM_001302623.3); c.2794-4C>A (NM_001322218.3, NM_001322221.2); c.1975-4C>A (NM_001322216.2); c.2527-4C>A (NM_001322217.2).
Identifiers: ClinVar variation 2647813 (VCV002647813.24), dbSNP rs199626884, ClinGen allele CA8591841.